The following is an entry in ClinVar:

NM_001083614.2(EARS2):c.794G>C (p.Gly265Ala)

Gene: EARS2 (glutamyl-tRNA synthetase 2, mitochondrial; minus strand). Cytogenetic location: 16p12.2.
Variant type: single nucleotide variant.
Coding change: c.794G>C on transcript NM_001083614.2 (MANE Select); coding-DNA position 794, G replaced by C.
Protein change: p.Gly265Ala; replaces glycine 265 with alanine.
Molecular consequence: missense variant. On other transcripts: non-coding transcript variant (1).
Genome position (GRCh38, 1-based): chr16:23,535,052, C>G on the plus strand (G>C on the coding strand, the complement: EARS2 is on the minus strand). VCF-style: chr16-23535052-C-G. GRCh37 (hg19) VCF-style: chr16-23546373-C-G.
Other names: c.794G>C, p.Gly265Ala (NM_001308211.1, NM_133451.1); short protein forms G265A.
Identifiers: ClinVar variation 2806271 (VCV002806271.3), dbSNP rs2506864690, ClinGen allele CA395133400.

ClinVar aggregate classification (germline): Uncertain significance (1 of 4 stars; one submission).

Submission:

Labcorp Genetics (formerly Invitae), Labcorp
Classification: Uncertain significance. Last evaluated: 2024-05-16. Review status: criteria provided, single submitter. Criteria: Invitae Variant Classification Sherloc (09022015). Collection method: clinical testing. Allele origin: germline.
Comment: This sequence change replaces glycine, which is neutral and non-polar, with alanine, which is neutral and non-polar, at codon 265 of the EARS2 protein (p.Gly265Ala). This variant is not present in population databases (gnomAD no frequency). This variant has not been reported in the literature in individuals affected with EARS2-related conditions. Advanced modeling of protein sequence and biophysical properties (such as structural, functional, and spatial information, amino acid conservation, physicochemical variation, residue mobility, and thermodynamic stability) performed at Invitae indicates that this missense variant is not expected to disrupt EARS2 protein function with a negative predictive value of 80%. In summary, the available evidence is currently insufficient to determine the role of this variant in disease. Therefore, it has been classified as a Variant of Uncertain Significance.